The following is an entry in ClinVar:

NM_182914.3(SYNE2):c.15836G>A (p.Trp5279Ter)

Gene: SYNE2 (spectrin repeat containing nuclear envelope protein 2; plus strand). Cytogenetic location: 14q23.2.
Variant type: single nucleotide variant.
Coding change: c.15836G>A on transcript NM_182914.3 (MANE Select); coding-DNA position 15836, G replaced by A.
Protein change: p.Trp5279Ter; replaces tryptophan 5279 with a stop codon.
Molecular consequence: nonsense.
Genome position (GRCh38, 1-based): chr14:64,158,668, G>A. VCF-style: chr14-64158668-G-A. GRCh37 (hg19) VCF-style: chr14-64625386-G-A.
Other names: c.15836G>A, p.Trp5279Ter (NM_015180.6); short protein forms W5279*.
Identifiers: ClinVar variation 3068836 (VCV003068836.2), dbSNP rs2549526716, ClinGen allele CA389954202.

ClinVar aggregate classification (germline): Uncertain significance (1 of 4 stars; one submission).

Submission:

Women's Health and Genetics/Laboratory Corporation of America, LabCorp
Classification: Uncertain significance. Last evaluated: 2024-02-06. Review status: criteria provided, single submitter. Criteria: LabCorp Variant Classification Summary - May 2015. Collection method: clinical testing. Allele origin: germline.
Comment: Variant summary: SYNE2 c.15836G>A (p.Trp5279X) results in a premature termination codon, predicted to cause a truncation of the encoded protein or absence of the protein due to nonsense mediated decay, however the molecular mechanism of disease attributed to SYNE2 is currently unknown. The variant was absent in 250984 control chromosomes. The available data on variant occurrences in the general population are insufficient to allow any conclusion about variant significance. To our knowledge, no occurrence of c.15836G>A in individuals affected with Emery-Dreifuss Muscular Dystrophy 5, Autosomal Dominant and no experimental evidence demonstrating its impact on protein function have been reported. No submitters have cited clinical-significance assessments for this variant to ClinVar. Based on the evidence outlined above, the variant was classified as uncertain significance.